The following is an entry in ClinVar:

NM_022772.4(EPS8L2):c.1934+8G>A

Gene: EPS8L2 (EPS8 signaling adaptor L2; plus strand). Cytogenetic location: 11p15.5.
Variant type: single nucleotide variant.
Coding change: c.1934+8G>A on transcript NM_022772.4 (MANE Select); 8 bases into the intron after coding-DNA position 1934, G replaced by A.
Molecular consequence: intron variant.
Genome position (GRCh38, 1-based): chr11:726,492, G>A. VCF-style: chr11-726492-G-A. GRCh37 (hg19) VCF-style: chr11-726492-G-A.
Identifiers: ClinVar variation 3629815 (VCV003629815.1).

ClinVar aggregate classification (germline): Uncertain significance (1 of 4 stars; one submission).

gnomAD v4.1: 1 of 1,546,762 alleles (0.000065%); highest among the groups gnomAD compares: Non-Finnish European, 0.000087%; no homozygotes.

Submission:

Women's Health and Genetics/Laboratory Corporation of America, LabCorp
Classification: Uncertain significance. Last evaluated: 2024-11-05. Review status: criteria provided, single submitter. Criteria: LabCorp Variant Classification Summary - May 2015. Collection method: clinical testing. Allele origin: germline.
Comment: Variant summary: EPS8L2 c.1934+8G>A alters a nucleotide located close to a canonical splice site and therefore could affect mRNA splicing, leading to a significantly altered protein sequence. Consensus agreement among computation tools predict no significant impact on normal splicing. However, these predictions have yet to be confirmed by functional studies. The variant was absent in 138894 control chromosomes. The available data on variant occurrences in the general population are insufficient to allow any conclusion about variant significance. To our knowledge, no occurrence of c.1934+8G>A in individuals affected with Hearing Loss, Autosomal Recessive 106 and no experimental evidence demonstrating its impact on protein function have been reported. No submitters have cited clinical-significance assessments for this variant to ClinVar. Based on the evidence outlined above, the variant was classified as uncertain significance.